The following is an entry in ClinVar:

ClinVar aggregate classification (germline): Uncertain significance (1 of 4 stars; one submission).

Conditions:
Joubert syndrome. Also called: JOUBERT-BOLTSHAUSER SYNDROME; Familial aplasia of the vermis. Identifiers: Orphanet 475, MedGen C5979921, MONDO:0018772.
Meckel-Gruber syndrome. Also called: Dysencephalia splachnocystica; DYSENCEPHALIA SPLANCHNOCYSTICA; GRUBER SYNDROME. Identifiers: Orphanet 564, MedGen C0265215, MONDO:0018921.

Allele frequency attached by ClinVar (database versions not stated): TOPMed below 0.00001; gnomAD 0.00001; gnomAD exomes 0.00001.
gnomAD v4.1: 4 of 1,594,792 alleles (0.00025%); highest among the groups gnomAD compares: Admixed American, 0.0053%; no homozygotes.

Submission:

Labcorp Genetics (formerly Invitae), Labcorp
Classification: Uncertain significance for Joubert syndrome; Meckel-Gruber syndrome. Last evaluated: 2022-11-08. Review status: criteria provided, single submitter. Criteria: Invitae Variant Classification Sherloc (09022015). Collection method: clinical testing. Allele origin: germline.
Comment: In summary, the available evidence is currently insufficient to determine the role of this variant in disease. Therefore, it has been classified as a Variant of Uncertain Significance. Advanced modeling of protein sequence and biophysical properties (such as structural, functional, and spatial information, amino acid conservation, physicochemical variation, residue mobility, and thermodynamic stability) performed at Invitae indicates that this missense variant is not expected to disrupt CC2D2A protein function. ClinVar contains an entry for this variant (Variation ID: 1036517). This variant has not been reported in the literature in individuals affected with CC2D2A-related conditions. This variant is present in population databases (no rsID available, gnomAD 0.01%). This sequence change replaces alanine, which is neutral and non-polar, with proline, which is neutral and non-polar, at codon 212 of the CC2D2A protein (p.Ala212Pro).

NM_001378615.1(CC2D2A):c.634G>C (p.Ala212Pro)

Genes: CC2D2A (coiled-coil and C2 domain containing 2A; plus strand), FBXL5 (F-box and leucine rich repeat protein 5; minus strand). Cytogenetic location: 4p15.32.
Variant type: single nucleotide variant.
Coding change: c.634G>C on transcript NM_001378615.1 (MANE Select); coding-DNA position 634, G replaced by C.
Protein change: p.Ala212Pro; replaces alanine 212 with proline.
Molecular consequence: missense variant.
Genome position (GRCh38, 1-based): chr4:15,511,340, G>C. VCF-style: chr4-15511340-G-C. GRCh37 (hg19) VCF-style: chr4-15512963-G-C.
Other names: c.634G>C, p.Ala212Pro (NM_001080522.2); c.487G>C, p.Ala163Pro (NM_001378617.1); short protein forms A212P, A163P.
Identifiers: ClinVar variation 1036517 (VCV001036517.8), dbSNP rs965986708, ClinGen allele CA356408920.